The following is an entry in ClinVar:

ClinVar aggregate classification (germline): Likely benign (1 of 4 stars; one submission).

Conditions:
Familial colorectal cancer type X. Identifiers: Orphanet 440437, MedGen C3896578, MONDO:0018604.

Submission:

Myriad Genetics, Inc.
Classification: Likely benign for Familial colorectal cancer type X. Last evaluated: 2026-08-03. Review status: criteria provided, single submitter. Criteria: Myriad Autosomal Dominant, Autosomal Recessive and X-Linked Classification Criteria (2023). Collection method: clinical testing. Allele origin: unknown.
Comment: This variant is considered likely benign. This variant is intronic and is not expected to impact mRNA splicing.

NM_001146227.3(RPS20):c.334-6C>T

Gene: RPS20 (ribosomal protein S20; minus strand). Cytogenetic location: 8q12.1.
Variant type: single nucleotide variant.
Coding change: c.334-6C>T on transcript NM_001146227.3; 6 bases into the intron before coding-DNA position 334, C replaced by T.
Molecular consequence: intron variant.
Genome position (GRCh38, 1-based): chr8:56,069,839, G>A on the plus strand (C>T on the coding strand, the complement: RPS20 is on the minus strand). VCF-style: chr8-56069839-G-A. GRCh37 (hg19) VCF-style: chr8-56982398-G-A.
Identifiers: ClinVar variation 5042163 (VCV005042163.1).
Genomic context (GRCh38, chr8:56,069,839, plus strand): 5'-AAGTGTACTGCTGGCCCTCTGTATCCATGGGTTCTGCATCTGTAGATTCGATCAACTGTA[G>A]ATCAAAAGTATTCAGAAAAAAAATTGTCTCTACTGCACATGTATAGACATTCTTTTTCTT-3'